The following is an entry in ClinVar:

NM_182710.3(KAT5):c.1571G>A (p.Arg524Gln)

Genes: KAT5 (lysine acetyltransferase 5; plus strand), RNASEH2C (ribonuclease H2 subunit C; minus strand). Cytogenetic location: 11q13.1.
Variant type: single nucleotide variant.
Coding change: c.1571G>A on transcript NM_182710.3 (MANE Select); coding-DNA position 1571, G replaced by A.
Protein change: p.Arg524Gln; replaces arginine 524 with glutamine.
Molecular consequence: missense variant. On other transcripts: 3 prime UTR variant (1).
Genome position (GRCh38, 1-based): chr11:65,719,111, G>A. VCF-style: chr11-65719111-G-A. GRCh37 (hg19) VCF-style: chr11-65486582-G-A.
Other names: c.1415G>A, p.Arg472Gln (NM_001206833.2); c.1472G>A, p.Arg491Gln (NM_006388.4); c.1316G>A, p.Arg439Gln (NM_182709.3); c.*672C>T (NM_032193.4); short protein forms R491Q, R439Q, R472Q, R524Q.
Identifiers: ClinVar variation 5002901 (VCV005002901.1).

ClinVar aggregate classification (germline): Uncertain significance (1 of 4 stars; one submission).

gnomAD v4.1: 1 of 1,614,180 alleles (0.000062%); no homozygotes.

Submission:

OLLIN Analises Genomicas, OLLIN
Classification: Uncertain significance. Last evaluated: 2026-08-06. Review status: criteria provided, single submitter. Criteria: ACMG Guidelines 2015 PMID 25741868. Collection method: clinical testing. Allele origin: germline.
Comment: This missense variant, located in exon 13 (of 13), has been observed in gnomAD with an allele frequency of 0.000062%, but has not been reported in ClinVar or identified in the literature. In silico analysis is inconclusive regarding the impact of this variant. According to the currently available evidence, this variant has been classified as uncertain significance (PM2_P).